The following is an entry in ClinVar:

NM_015629.4(PRPF31):c.274G>A (p.Val92Ile)

Genes: PRPF31 (pre-mRNA processing factor 31; plus strand), PRPF31-AS1 (PRPF31 antisense RNA 1; minus strand). Cytogenetic location: 19q13.42.
Variant type: single nucleotide variant.
Coding change: c.274G>A on transcript NM_015629.4 (MANE Select); coding-DNA position 274, G replaced by A.
Protein change: p.Val92Ile; replaces valine 92 with isoleucine.
Molecular consequence: missense variant.
Genome position (GRCh38, 1-based): chr19:54,121,895, G>A. VCF-style: chr19-54121895-G-A. GRCh37 (hg19) VCF-style: chr19-54625274-G-A.
Other names: c.274G>A (NM_015629.3); short protein forms V92I.
Identifiers: ClinVar variation 1427971 (VCV001427971.8), dbSNP rs776730311, ClinGen allele CA309323494.

ClinVar aggregate classification (germline): Uncertain significance. Review status: criteria provided, multiple submitters, no conflicts (2 of 4 stars). 3 submissions from 3 submitters: Uncertain significance (3). Last evaluated 2024-02-06.

Conditions:
Inborn genetic diseases. Identifiers: MedGen C0950123, MeSH D030342.

Allele frequency attached by ClinVar (database versions not stated): ExAC 0.00002; TOPMed 0.00002; gnomAD exomes 0.00003.
gnomAD v4.1: 40 of 1,612,768 alleles (0.0025%); highest among the groups gnomAD compares: South Asian, 0.0077%; no homozygotes.

Submissions (3):

Ambry Genetics
Classification: Uncertain significance for Inborn genetic diseases. Last evaluated: 2024-02-06. Review status: criteria provided, single submitter. Criteria: Ambry Variant Classification Scheme 2023. Collection method: clinical testing. Allele origin: germline.

Blueprint Genetics
Classification: Uncertain significance. Last evaluated: 2023-11-07. Review status: criteria provided, single submitter. Criteria: ACMG Guidelines, 2015. Collection method: clinical testing. Allele origin: germline.

Labcorp Genetics (formerly Invitae), Labcorp
Classification: Uncertain significance. Last evaluated: 2022-09-24. Review status: criteria provided, single submitter. Criteria: Invitae Variant Classification Sherloc (09022015). Collection method: clinical testing. Allele origin: germline.
Comment: ClinVar contains an entry for this variant (Variation ID: 1427971). Algorithms developed to predict the effect of missense changes on protein structure and function (SIFT, PolyPhen-2, Align-GVGD) all suggest that this variant is likely to be tolerated. In summary, the available evidence is currently insufficient to determine the role of this variant in disease. Therefore, it has been classified as a Variant of Uncertain Significance. This variant has not been reported in the literature in individuals affected with PRPF31-related conditions. This variant is present in population databases (rs776730311, gnomAD 0.01%). This sequence change replaces valine, which is neutral and non-polar, with isoleucine, which is neutral and non-polar, at codon 92 of the PRPF31 protein (p.Val92Ile).